The following is an entry in ClinVar:

ClinVar aggregate classification (germline): Pathogenic (1 of 4 stars; one submission).

Conditions:
Candidiasis, familial, 8 (CANDF8). Identifiers: Orphanet 1334, MedGen C3714992, MONDO:0014230, OMIM 615527.

Allele frequency attached by ClinVar (database versions not stated): gnomAD 0.00002.

Submission:

Labcorp Genetics (formerly Invitae), Labcorp
Classification: Pathogenic for Candidiasis, familial, 8. Last evaluated: 2023-06-06. Review status: criteria provided, single submitter. Criteria: Invitae Variant Classification Sherloc (09022015). Collection method: clinical testing. Allele origin: germline.
Comment: For these reasons, this variant has been classified as Pathogenic. ClinVar contains an entry for this variant (Variation ID: 2026969). This variant has not been reported in the literature in individuals affected with TRAF3IP2-related conditions. This variant is not present in population databases (gnomAD no frequency). This sequence change creates a premature translational stop signal (p.Gln242*) in the TRAF3IP2 gene. It is expected to result in an absent or disrupted protein product. Loss-of-function variants in TRAF3IP2 are known to be pathogenic (PMID: 24120361).

Literature cited by the submitters: PubMed 24120361.

NM_147686.4(TRAF3IP2):c.724C>T (p.Gln242Ter)

Genes: TRAF3IP2 (TRAF3 interacting protein 2; minus strand), TRAF3IP2-AS1 (TRAF3IP2 antisense RNA 1; plus strand), LOC114803478 (TRAF3IP2 eExon liver enhancer; plus strand). Cytogenetic location: 6q21.
Variant type: single nucleotide variant.
Coding change: c.724C>T on transcript NM_147686.4 (MANE Select); coding-DNA position 724, C replaced by T.
Protein change: p.Gln242Ter; replaces glutamine 242 with a stop codon.
Molecular consequence: nonsense.
Genome position (GRCh38, 1-based): chr6:111,591,363, G>A on the plus strand (C>T on the coding strand, the complement: TRAF3IP2 is on the minus strand). VCF-style: chr6-111591363-G-A. GRCh37 (hg19) VCF-style: chr6-111912566-G-A.
Other names: c.724C>T, p.Gln242Ter (NM_001164281.3); c.751C>T, p.Gln251Ter (NM_147200.3); short protein forms Q251*, Q242*.
Identifiers: ClinVar variation 2026969 (VCV002026969.4), dbSNP rs1304629512, ClinGen allele CA365365991.